The following is an entry in ClinVar:

NM_001048174.2(MUTYH):c.1384A>G (p.Met462Val)

Gene: MUTYH (mutY DNA glycosylase; minus strand). Cytogenetic location: 1p34.1.
Variant type: single nucleotide variant.
Coding change: c.1384A>G on transcript NM_001048174.2 (MANE Select); coding-DNA position 1384, A replaced by G.
Protein change: p.Met462Val; replaces methionine 462 with valine.
Molecular consequence: missense variant. On other transcripts: non-coding transcript variant (2).
Genome position (GRCh38, 1-based): chr1:45,331,190, T>C on the plus strand (A>G on the coding strand, the complement: MUTYH is on the minus strand). VCF-style: chr1-45331190-T-C. GRCh37 (hg19) VCF-style: chr1-45796862-T-C.
Other names: c.1384A>G, p.Met462Val (NM_001048171.2, NM_001048173.2, NM_001293195.2); c.1387A>G, p.Met463Val (NM_001048172.2); c.1468A>G, p.Met490Val (NM_001128425.2); c.1429A>G, p.Met477Val (NM_001293190.2); c.1417A>G, p.Met473Val (NM_001293191.2); c.1108A>G, p.Met370Val (NM_001293192.2, NM_001293196.2); c.1039A>G, p.Met347Val (NM_001350650.2, NM_001350651.2); c.1459A>G, p.Met487Val (NM_012222.3); short protein forms M347V, M477V, M370V, M462V, M463V, M473V, M487V, M490V.
Identifiers: ClinVar variation 819294 (VCV000819294.12), dbSNP rs771655808, ClinGen allele CA056469.

ClinVar aggregate classification (germline): Conflicting classifications of pathogenicity. Review status: criteria provided, conflicting classifications (1 of 4 stars). 3 submissions from 3 submitters: Uncertain significance (1); Likely benign (2). Last evaluated 2025-12-09.

Conditions:
Familial adenomatous polyposis 2. Also called: FAP type 2; MUTYH Polyposis; COLORECTAL ADENOMATOUS POLYPOSIS, AUTOSOMAL RECESSIVE; ADENOMAS, MULTIPLE COLORECTAL, AUTOSOMAL RECESSIVE; MUTYH-associated polyposis; MUTYH-related attenuated familial adenomatous polyposis. Identifiers: Orphanet 220460, Orphanet 247798, MedGen C3272841, MONDO:0012041, OMIM 608456.
Hereditary cancer-predisposing syndrome. Also called: Tumor predisposition; Hereditary Cancer Syndrome; Hereditary neoplastic syndrome; Neoplastic Syndromes, Hereditary. Identifiers: Orphanet 140162, MedGen C0027672, MeSH D009386, MONDO:0015356.

Allele frequency attached by ClinVar (database versions not stated): gnomAD below 0.00001 and 0.00001; gnomAD exomes 0.00001 and 0.00002; ExAC 0.00002.
gnomAD v4.1: 19 of 1,614,130 alleles (0.0012%); highest among the groups gnomAD compares: South Asian, 0.02%; no homozygotes.

Submissions (3):

Color Diagnostics, LLC DBA Color Health
Classification: Likely benign for Hereditary cancer-predisposing syndrome. Last evaluated: 2025-12-09. Review status: criteria provided, single submitter. Criteria: ACMG Guidelines, 2015. Collection method: clinical testing. Allele origin: germline.

Ambry Genetics
Classification: Likely benign for Hereditary cancer-predisposing syndrome. Last evaluated: 2025-09-09. Review status: criteria provided, single submitter. Criteria: Ambry Variant Classification Scheme 2023. Collection method: clinical testing. Allele origin: germline.

Labcorp Genetics (formerly Invitae), Labcorp
Classification: Uncertain significance for Familial adenomatous polyposis 2. Last evaluated: 2022-08-31. Review status: criteria provided, single submitter. Criteria: Invitae Variant Classification Sherloc (09022015). Collection method: clinical testing. Allele origin: germline.
Comment: This sequence change replaces methionine, which is neutral and non-polar, with valine, which is neutral and non-polar, at codon 490 of the MUTYH protein (p.Met490Val). In summary, the available evidence is currently insufficient to determine the role of this variant in disease. Therefore, it has been classified as a Variant of Uncertain Significance. Algorithms developed to predict the effect of missense changes on protein structure and function output the following: SIFT: "Tolerated"; PolyPhen-2: "Benign"; Align-GVGD: "Class C0". The valine amino acid residue is found in multiple mammalian species, which suggests that this missense change does not adversely affect protein function. ClinVar contains an entry for this variant (Variation ID: 819294). This variant has not been reported in the literature in individuals affected with MUTYH-related conditions. This variant is present in population databases (rs771655808, gnomAD 0.02%).

Literature cited by the submitters: PubMed 40738107 (cited by Ambry Genetics).